The following is an entry in ClinVar:

ClinVar aggregate classification (germline): Pathogenic (1 of 4 stars; one submission).

Conditions:
Familial meningioma. Also called: Meningioma, familial, susceptibility to. Identifiers: Orphanet 263662, MedGen C3551915, MONDO:0011789, OMIM 607174.

Submission:

Labcorp Genetics (formerly Invitae), Labcorp
Classification: Pathogenic for Familial meningioma. Last evaluated: 2024-01-18. Review status: criteria provided, single submitter. Criteria: Invitae Variant Classification Sherloc (09022015). Collection method: clinical testing. Allele origin: germline.
Comment: This sequence change creates a premature translational stop signal (p.Pro169Argfs*3) in the SMARCE1 gene. It is expected to result in an absent or disrupted protein product. Loss-of-function variants in SMARCE1 are known to be pathogenic (PMID: 23377182). This variant is not present in population databases (gnomAD no frequency). This variant has not been reported in the literature in individuals affected with SMARCE1-related conditions. For these reasons, this variant has been classified as Pathogenic.

Literature cited by the submitters: PubMed 23377182.

NM_003079.5(SMARCE1):c.506del (p.Pro169fs)

Gene: SMARCE1 (SWI/SNF related BAF chromatin remodeling complex subunit E1; minus strand). Cytogenetic location: 17q21.2.
Variant type: Deletion.
Coding change: c.506del on transcript NM_003079.5 (MANE Select); coding-DNA position 506, one base deleted (C; older notation c.506delC).
Protein change: p.Pro169fs; shifts the reading frame from proline 169.
Molecular consequence: frameshift variant.
Genome position (GRCh38, 1-based): chr17:40,635,966, G deleted on the plus strand (C on the coding strand, the reverse complement: SMARCE1 is on the minus strand); the first of 2 consecutive G bases (chr17:40,635,966-40,635,967); deleting either gives the same sequence. VCF-style (leftmost placement, unchanged base first): chr17-40635965-CG-C. GRCh37 (hg19) VCF-style: chr17-38792217-CG-C.
Other names: short protein forms P169fs.
Identifiers: ClinVar variation 2709971 (VCV002709971.3), dbSNP rs2508603561, ClinGen allele CA2697559842.